The following is an entry in ClinVar:

ClinVar aggregate classification (germline): Uncertain significance (1 of 4 stars; one submission).

Conditions:
Spastic paraplegia. Identifiers: MedGen C0037772, HP:0001258.

Submission:

Labcorp Genetics (formerly Invitae), Labcorp
Classification: Uncertain significance for Spastic paraplegia. Last evaluated: 2024-04-16. Review status: criteria provided, single submitter. Criteria: Invitae Variant Classification Sherloc (09022015). Collection method: clinical testing. Allele origin: germline.
Comment: This sequence change replaces glutamic acid, which is acidic and polar, with glycine, which is neutral and non-polar, at codon 84 of the ZFYVE26 protein (p.Glu84Gly). This variant is not present in population databases (gnomAD no frequency). This variant has not been reported in the literature in individuals affected with ZFYVE26-related conditions. ClinVar contains an entry for this variant (Variation ID: 2145534). An algorithm developed to predict the effect of missense changes on protein structure and function (PolyPhen-2) suggests that this variant is likely to be disruptive. In summary, the available evidence is currently insufficient to determine the role of this variant in disease. Therefore, it has been classified as a Variant of Uncertain Significance.

NM_015346.4(ZFYVE26):c.251A>G (p.Glu84Gly)

Gene: ZFYVE26 (zinc finger FYVE-type containing 26; minus strand). Cytogenetic location: 14q24.1.
Variant type: single nucleotide variant.
Coding change: c.251A>G on transcript NM_015346.4 (MANE Select); coding-DNA position 251, A replaced by G.
Protein change: p.Glu84Gly; replaces glutamic acid 84 with glycine.
Molecular consequence: missense variant.
Genome position (GRCh38, 1-based): chr14:67,814,008, T>C on the plus strand (A>G on the coding strand, the complement: ZFYVE26 is on the minus strand). VCF-style: chr14-67814008-T-C. GRCh37 (hg19) VCF-style: chr14-68280725-T-C.
Other names: short protein forms E84G.
Identifiers: ClinVar variation 2145534 (VCV002145534.4), dbSNP rs2502893661, ClinGen allele CA390163118.